The following is an entry in ClinVar:

NM_000535.7(PMS2):c.596G>T (p.Arg199Leu)

Gene: PMS2 (PMS1 homolog 2, mismatch repair system component; minus strand). Cytogenetic location: 7p22.1.
Variant type: single nucleotide variant.
Coding change: c.596G>T on transcript NM_000535.7 (MANE Select); coding-DNA position 596, G replaced by T.
Protein change: p.Arg199Leu; replaces arginine 199 with leucine.
Molecular consequence: missense variant. On other transcripts: 5 prime UTR variant (2), non-coding transcript variant (1), intron variant (6).
Genome position (GRCh38, 1-based): chr7:5,999,217, C>A on the plus strand (G>T on the coding strand, the complement: PMS2 is on the minus strand). VCF-style: chr7-5999217-C-A. GRCh37 (hg19) VCF-style: chr7-6038848-C-A.
Other names: c.191G>T, p.Arg64Leu (NM_001322009.2, NM_001322010.2, NM_001018040.1 and 22 more transcripts); c.-338G>T (NM_001322011.2, NM_001322012.2); c.596G>T, p.Arg199Leu (NM_001322014.2, NM_001406869.1, NM_001406870.1 and 5 more transcripts); c.287G>T, p.Arg96Leu (NM_001322015.2, NM_001406875.1, NM_001406877.1 and 6 more transcripts); c.782G>T, p.Arg261Leu (NM_001406866.1); c.620G>T, p.Arg207Leu (NM_001406868.1); c.278G>T, p.Arg93Leu (NM_001406876.1, NM_001322007.2, NM_001322008.2 and 4 more transcripts); c.260G>T, p.Arg87Leu (NM_001406885.1); and 4 more; short protein forms R199L, R207L, R261L, R64L, R87L, R93L, R96L.
Identifiers: ClinVar variation 2677911 (VCV002677911.2), dbSNP rs876658387, ClinGen allele CA366744014.

ClinVar aggregate classification (germline): Uncertain significance. Review status: criteria provided, multiple submitters, no conflicts (2 of 4 stars). 2 submissions from 2 submitters: Uncertain significance (2). Last evaluated 2026-02-17.

Conditions:
Hereditary cancer-predisposing syndrome. Also called: Tumor predisposition; Hereditary Cancer Syndrome; Hereditary neoplastic syndrome; Neoplastic Syndromes, Hereditary. Identifiers: Orphanet 140162, MedGen C0027672, MeSH D009386, MONDO:0015356.
Lynch syndrome 4 (LYNCH4). Also called: Colorectal cancer, hereditary nonpolyposis, type 4; Hereditary non-polyposis colorectal cancer, type 4. Identifiers: Orphanet 144, MedGen C1838333, MONDO:0013699, OMIM 614337. Disease mechanism: loss of function.

Submissions (2):

Ambry Genetics
Classification: Uncertain significance for Hereditary cancer-predisposing syndrome. Last evaluated: 2026-02-17. Review status: criteria provided, single submitter. Criteria: Ambry Variant Classification Scheme 2023. Collection method: clinical testing. Allele origin: germline.
Comment: The p.R199L variant (also known as c.596G>T), located in coding exon 6 of the PMS2 gene, results from a G to T substitution at nucleotide position 596. The arginine at codon 199 is replaced by leucine, an amino acid with dissimilar properties. This amino acid position is conserved. In addition, this alteration is predicted to be deleterious by in silico analysis. Based on the available evidence, the clinical significance of this variant remains unclear.

Baylor Genetics
Classification: Uncertain significance for Lynch syndrome 4. Last evaluated: 2023-09-13. Review status: criteria provided, single submitter. Criteria: ACMG Guidelines, 2015. Collection method: clinical testing. Allele origin: unknown.